The following is an entry in ClinVar:

ClinVar aggregate classification (germline): Conflicting classifications of pathogenicity. Review status: criteria provided, conflicting classifications (1 of 4 stars). 2 submissions from 2 submitters: Uncertain significance (1); Likely benign (1). Last evaluated 2022-10-25.

Allele frequency attached by ClinVar (database versions not stated): gnomAD 0.00011; TOPMed 0.00011; gnomAD exomes 0.00015; ExAC 0.00017.
gnomAD v4.1: 420 of 1,614,014 alleles (0.026%); highest among the groups gnomAD compares: South Asian, 0.042%; 1 homozygote.

Submissions (2):

Labcorp Genetics (formerly Invitae), Labcorp
Classification: Uncertain significance. Last evaluated: 2022-10-25. Review status: criteria provided, single submitter. Criteria: Invitae Variant Classification Sherloc (09022015). Collection method: clinical testing. Allele origin: germline.
Comment: This sequence change replaces alanine, which is neutral and non-polar, with valine, which is neutral and non-polar, at codon 1012 of the PLEKHG2 protein (p.Ala1012Val). This variant is present in population databases (rs766958827, gnomAD 0.04%). This variant has not been reported in the literature in individuals affected with PLEKHG2-related conditions. ClinVar contains an entry for this variant (Variation ID: 1435474). Algorithms developed to predict the effect of missense changes on protein structure and function output the following: SIFT: "Tolerated"; PolyPhen-2: "Benign"; Align-GVGD: "Class C0". The valine amino acid residue is found in multiple mammalian species, which suggests that this missense change does not adversely affect protein function. In summary, the available evidence is currently insufficient to determine the role of this variant in disease. Therefore, it has been classified as a Variant of Uncertain Significance.

Ambry Genetics
Classification: Likely benign. Last evaluated: 2022-07-19. Review status: criteria provided, single submitter. Criteria: Ambry Variant Classification Scheme 2023. Collection method: clinical testing. Allele origin: germline.

NM_022835.3(PLEKHG2):c.3035C>T (p.Ala1012Val)

Gene: PLEKHG2 (pleckstrin homology and RhoGEF domain containing G2; plus strand). Cytogenetic location: 19q13.2.
Variant type: single nucleotide variant.
Coding change: c.3035C>T on transcript NM_022835.3 (MANE Select); coding-DNA position 3035, C replaced by T.
Protein change: p.Ala1012Val; replaces alanine 1012 with valine.
Molecular consequence: missense variant. On other transcripts: intron variant (1).
Genome position (GRCh38, 1-based): chr19:39,424,168, C>T. VCF-style: chr19-39424168-C-T. GRCh37 (hg19) VCF-style: chr19-39914808-C-T.
Other names: c.2858C>T, p.Ala953Val (NM_001351693.2); c.1678-1070C>T (NM_001351694.2); c.3035C>T (NM_022835.2); short protein forms A953V, A1012V.
Identifiers: ClinVar variation 1435474 (VCV001435474.6), dbSNP rs766958827, ClinGen allele CA9429916.